The following is an entry in ClinVar:

ClinVar aggregate classification (germline): Likely pathogenic (1 of 4 stars; one submission).

Conditions:
Epilepsy, familial focal, with variable foci 3 (FFEVF3). Identifiers: MedGen C4310708, MONDO:0014925, OMIM 617118.

Submission:

Labcorp Genetics (formerly Invitae), Labcorp
Classification: Likely pathogenic for Epilepsy, familial focal, with variable foci 3. Last evaluated: 2021-06-16. Review status: criteria provided, single submitter. Criteria: Invitae Variant Classification Sherloc (09022015). Collection method: clinical testing. Allele origin: germline.
Comment: In summary, the currently available evidence indicates that the variant is pathogenic, but additional data are needed to prove that conclusively. Therefore, this variant has been classified as Likely Pathogenic. Experimental studies and prediction algorithms are not available or were not evaluated, and the effect of this variant on mRNA splicing is currently unknown. This variant has not been reported in the literature in individuals with NPRL3-related conditions. This variant is not present in population databases (ExAC no frequency). This sequence change affects a donor splice site in intron 10 of the NPRL3 gene. It is expected to disrupt RNA splicing. Variants that disrupt the donor or acceptor splice site typically lead to a loss of protein function (PMID: 16199547), and loss-of-function variants in NPRL3 are known to be pathogenic (PMID: 26285051, 26505888).

Literature cited by the submitters: PubMed 16199547; PubMed 26285051; PubMed 26505888.

NM_001077350.3(NPRL3):c.1031+2_1031+3del

Genes: HBA-LCR (alpha-globin locus control region; plus strand), NPRL3 (NPR3 like, GATOR1 complex subunit; minus strand). Cytogenetic location: 16p13.3.
Variant type: Microsatellite.
Coding change: c.1031+2_1031+3del on transcript NM_001077350.3 (MANE Select); the canonical splice donor site of the intron after coding-DNA position 1031 through 3 bases into the intron after coding-DNA position 1031, 2 bases deleted (TG; older notation c.1031+2_1031+3delTG).
Molecular consequence: splice donor variant.
Genome position (GRCh38, 1-based): chr16:93,216-93,217, CA deleted on the plus strand (TG on the coding strand, the reverse complement: NPRL3 is on the minus strand); deleting any 2 consecutive bases within chr16:93,216-93,219 gives the same sequence; the c. name uses the placement nearest the transcript's 3' end. VCF-style (leftmost placement, unchanged base first): chr16-93215-TCA-T. GRCh37 (hg19) VCF-style: chr16-143213-TCA-T.
Other names: c.797+2_797+3del (NM_001243247.2); c.956+2_956+3del (NM_001243248.2, NM_001243249.2); c.494+2_494+3del (NM_001039476.3).
Identifiers: ClinVar variation 1519518 (VCV001519518.6), dbSNP rs2141909104, ClinGen allele CA2580613351.